The following is an entry in ClinVar:

NM_001854.4(COL11A1):c.3051A>C (p.Ser1017=)

Gene: COL11A1 (collagen type XI alpha 1 chain; minus strand). Cytogenetic location: 1p21.1.
Variant type: single nucleotide variant.
Coding change: c.3051A>C on transcript NM_001854.4 (MANE Select); coding-DNA position 3051, A replaced by C.
Protein change: p.Ser1017=; no amino-acid change (serine 1017 retained).
Molecular consequence: synonymous variant. On other transcripts: non-coding transcript variant (1).
Genome position (GRCh38, 1-based): chr1:102,962,239, T>G on the plus strand (A>C on the coding strand, the complement: COL11A1 is on the minus strand). VCF-style: chr1-102962239-T-G. GRCh37 (hg19) VCF-style: chr1-103427795-T-G.
Other names: c.2934A>C, p.Ser978= (NM_001190709.2); c.3087A>C, p.Ser1029= (NM_080629.3); c.2703A>C, p.Ser901= (NM_080630.4).
Identifiers: ClinVar variation 738060 (VCV000738060.24), dbSNP rs1570879161, ClinGen allele CA419197488.

ClinVar aggregate classification (germline): Likely benign. Review status: criteria provided, multiple submitters, no conflicts (2 of 4 stars). 2 submissions from 2 submitters: Likely benign (2). Last evaluated 2025-02-01.

Allele frequency attached by ClinVar (database versions not stated): 1000 Genomes Project 30x 0.00016.

Submissions (2):

CeGaT Center for Human Genetics Tuebingen
Classification: Likely benign. Last evaluated: 2025-02-01. Review status: criteria provided, single submitter. Criteria: CeGaT Center For Human Genetics Tuebingen Variant Classification Criteria Version 2. Collection method: clinical testing. Allele origin: germline. Affected: yes. Observed: 2 variant alleles.
Comment: COL11A1: BP4, BP7

Labcorp Genetics (formerly Invitae), Labcorp
Classification: Likely benign. Last evaluated: 2019-12-31. Review status: criteria provided, single submitter. Criteria: Invitae Variant Classification Sherloc (09022015). Collection method: clinical testing. Allele origin: germline.